The following is an entry in ClinVar:

NM_001127178.3(PIGG):c.2780G>A (p.Cys927Tyr)

Gene: PIGG (phosphatidylinositol glycan anchor biosynthesis class G (EMM blood group); plus strand). Cytogenetic location: 4p16.3.
Variant type: single nucleotide variant.
Coding change: c.2780G>A on transcript NM_001127178.3 (MANE Select); coding-DNA position 2780, G replaced by A.
Protein change: p.Cys927Tyr; replaces cysteine 927 with tyrosine.
Molecular consequence: missense variant. On other transcripts: non-coding transcript variant (10).
Genome position (GRCh38, 1-based): chr4:539,197, G>A. VCF-style: chr4-539197-G-A. GRCh37 (hg19) VCF-style: chr4-532986-G-A.
Other names: c.2513G>A, p.Cys838Tyr (NM_001289051.2, NM_001345986.2); c.2381G>A, p.Cys794Tyr (NM_001289052.2); c.2489G>A, p.Cys830Tyr (NM_001345987.2); c.1751G>A, p.Cys584Tyr (NM_001345988.2); c.1247G>A, p.Cys416Tyr (NM_001345990.2, NM_001345991.2); c.1682G>A, p.Cys561Tyr (NM_001345994.2); c.2756G>A, p.Cys919Tyr (NM_017733.5); short protein forms C561Y, C919Y, C416Y, C794Y, C584Y, C830Y, C838Y, C927Y.
Identifiers: ClinVar variation 1462414 (VCV001462414.5), dbSNP rs774627627, ClinGen allele CA355913199.

ClinVar aggregate classification (germline): Uncertain significance (1 of 4 stars; one submission).

Conditions:
Intellectual disability, autosomal recessive 53 (NEDHSCA). Also called: GLYCOSYLPHOSPHATIDYLINOSITOL BIOSYNTHESIS DEFECT 13; Mental retardation, autosomal recessive 53; NEURODEVELOPMENTAL DISORDER WITH OR WITHOUT HYPOTONIA, SEIZURES, AND CEREBELLAR ATROPHY. Identifiers: Orphanet 488635, MedGen C4310794, MONDO:0014832, OMIM 616917.

gnomAD v4.1: 2 of 1,613,592 alleles (0.00012%); highest among the groups gnomAD compares: East Asian, 0.0022%; no homozygotes.

Submission:

Labcorp Genetics (formerly Invitae), Labcorp
Classification: Uncertain significance for Intellectual disability, autosomal recessive 53. Last evaluated: 2022-01-14. Review status: criteria provided, single submitter. Criteria: Invitae Variant Classification Sherloc (09022015). Collection method: clinical testing. Allele origin: germline.
Comment: This sequence change replaces cysteine, which is neutral and slightly polar, with tyrosine, which is neutral and polar, at codon 927 of the PIGG protein (p.Cys927Tyr). This variant is not present in population databases (gnomAD no frequency). This variant has not been reported in the literature in individuals affected with PIGG-related conditions. Algorithms developed to predict the effect of missense changes on protein structure and function are either unavailable or do not agree on the potential impact of this missense change (SIFT: "Tolerated"; PolyPhen-2: "Possibly Damaging"; Align-GVGD: "Class C0"). In summary, the available evidence is currently insufficient to determine the role of this variant in disease. Therefore, it has been classified as a Variant of Uncertain Significance.